The following is an entry in ClinVar:

ClinVar aggregate classification (germline): Uncertain significance. Review status: criteria provided, multiple submitters, no conflicts (2 of 4 stars). 2 submissions from 2 submitters: Uncertain significance (2). Last evaluated 2026-03-31.

Conditions:
HYPERHOMOCYSTEINEMIA, THROMBOTIC, CBS-RELATED. Identifiers: MedGen C3150344, OMIM 236200.
Familial thoracic aortic aneurysm and aortic dissection (TAAD). Also called: Thoracic aortic aneurysms and dissections. Identifiers: Orphanet 91387, MedGen C4707243, MONDO:0019625.

Submissions (2):

Ambry Genetics
Classification: Uncertain significance for Familial thoracic aortic aneurysm and aortic dissection. Last evaluated: 2026-03-31. Review status: criteria provided, single submitter. Criteria: Ambry Variant Classification Scheme 2023. Collection method: clinical testing. Allele origin: germline.
Comment: The p.G20E variant (also known as c.59G>A), located in coding exon 1 of the CBS gene, results from a G to A substitution at nucleotide position 59. The glycine at codon 20 is replaced by glutamic acid, an amino acid with similar properties. This amino acid position is poorly conserved in available vertebrate species. In addition, this alteration is predicted to be tolerated by in silico analysis. Based on the available evidence, the clinical significance of this variant remains unclear.

Labcorp Genetics (formerly Invitae), Labcorp
Classification: Uncertain significance for HYPERHOMOCYSTEINEMIA, THROMBOTIC, CBS-RELATED. Last evaluated: 2024-02-02. Review status: criteria provided, single submitter. Criteria: Invitae Variant Classification Sherloc (09022015). Collection method: clinical testing. Allele origin: germline.
Comment: This sequence change replaces glycine, which is neutral and non-polar, with glutamic acid, which is acidic and polar, at codon 20 of the CBS protein (p.Gly20Glu). This variant is not present in population databases (gnomAD no frequency). This variant has not been reported in the literature in individuals affected with CBS-related conditions. ClinVar contains an entry for this variant (Variation ID: 936584). Advanced modeling of protein sequence and biophysical properties (such as structural, functional, and spatial information, amino acid conservation, physicochemical variation, residue mobility, and thermodynamic stability) performed at Invitae indicates that this missense variant is not expected to disrupt CBS protein function with a negative predictive value of 95%. In summary, the available evidence is currently insufficient to determine the role of this variant in disease. Therefore, it has been classified as a Variant of Uncertain Significance.

NM_000071.3(CBS):c.59G>A (p.Gly20Glu)

Gene: CBS (cystathionine beta-synthase; minus strand). Cytogenetic location: 21q22.3.
Variant type: single nucleotide variant.
Coding change: c.59G>A on transcript NM_000071.3 (MANE Select); coding-DNA position 59, G replaced by A.
Protein change: p.Gly20Glu; replaces glycine 20 with glutamic acid.
Molecular consequence: missense variant.
Genome position (GRCh38, 1-based): chr21:43,072,135, C>T on the plus strand (G>A on the coding strand, the complement: CBS is on the minus strand). VCF-style: chr21-43072135-C-T. GRCh37 (hg19) VCF-style: chr21-44492245-C-T.
Other names: c.59G>A, p.Gly20Glu (NM_001320298.2, NM_001178008.3, NM_001178009.3); short protein forms G20E.
Identifiers: ClinVar variation 936584 (VCV000936584.10), dbSNP rs1983457688, ClinGen allele CA410602531.